The following is an entry in ClinVar:

ClinVar aggregate classification (germline): Benign/Likely benign. Review status: criteria provided, multiple submitters, no conflicts (2 of 4 stars). 6 submissions from 6 submitters: Benign (4); Likely benign (2). Last evaluated 2026-01-25.

Conditions:
Inborn genetic diseases. Identifiers: MedGen C0950123, MeSH D030342.
Menkes kinky-hair syndrome (MNK). Also called: Copper transport disease; Menkes Disease; Classic Menkes Disease. Identifiers: Orphanet 565, MedGen C0022716, MONDO:0010651, OMIM 309400.
X-linked distal spinal muscular atrophy type 3. Also called: NEURONOPATHY, DISTAL HEREDITARY MOTOR, X-LINKED; NEUROPATHY, DISTAL HEREDITARY MOTOR, X-LINKED; ATP7A-Related Distal Motor Neuropathy; SPINAL MUSCULAR ATROPHY, DISTAL, X-LINKED RECESSIVE. Identifiers: Orphanet 139557, MedGen C1845359, MONDO:0010338, OMIM 300489.
Cutis laxa, X-linked (OHS). Also called: Occipital horn syndrome; EDS IX. Identifiers: Orphanet 198, MedGen C0268353, MONDO:0010572, OMIM 304150.

Allele frequency attached by ClinVar (database versions not stated): gnomAD 0.00020 and 0.00019; TOPMed 0.00023; ExAC 0.00026; gnomAD exomes 0.00030; ESP Exome Variant Server 0.00009.
gnomAD v4.1: 202 of 1,209,903 alleles (0.017%); highest among the groups gnomAD compares: Non-Finnish European, 0.0031%; 2 homozygotes.

Submissions (6):

Labcorp Genetics (formerly Invitae), Labcorp
Classification: Benign for X-linked distal spinal muscular atrophy type 3; Cutis laxa, X-linked; Menkes kinky-hair syndrome. Last evaluated: 2026-01-25. Review status: criteria provided, single submitter. Criteria: Invitae Variant Classification Sherloc (09022015). Collection method: clinical testing. Allele origin: germline.

CeGaT Center for Human Genetics Tuebingen
Classification: Likely benign. Last evaluated: 2025-02-01. Review status: criteria provided, single submitter. Criteria: CeGaT Center For Human Genetics Tuebingen Variant Classification Criteria Version 2. Collection method: clinical testing. Allele origin: germline. Affected: yes. Observed: 2 variant alleles.
Comment: ATP7A: BS2

Blueprint Genetics
Classification: Benign. Last evaluated: 2024-11-28. Review status: criteria provided, single submitter. Criteria: ACMG Guidelines, 2015. Collection method: clinical testing. Allele origin: germline.

Mayo Clinic Laboratories, Mayo Clinic
Classification: Benign. Last evaluated: 2024-09-27. Review status: criteria provided, single submitter. Criteria: ACMG Guidelines, 2015. Collection method: clinical testing. Allele origin: germline. Observed: 3 variant alleles.
Comment: BS1, BS2, PP3

GeneDx
Classification: Likely benign. Last evaluated: 2020-10-05. Review status: criteria provided, single submitter. Criteria: GeneDx Variant Classification Process June 2021. Collection method: clinical testing. Allele origin: germline. Affected: yes.
Comment: This variant is associated with the following publications: (PMID: 33151932)

Ambry Genetics
Classification: Benign for Inborn genetic diseases. Last evaluated: 2018-11-28. Review status: criteria provided, single submitter. Criteria: Ambry Variant Classification Scheme 2023. Collection method: clinical testing. Allele origin: germline.

NM_000052.7(ATP7A):c.2519A>T (p.Glu840Val)

Gene: ATP7A (ATPase copper transporting alpha; plus strand). Cytogenetic location: Xq21.1.
Variant type: single nucleotide variant.
Coding change: c.2519A>T on transcript NM_000052.7 (MANE Select); coding-DNA position 2519, A replaced by T.
Protein change: p.Glu840Val; replaces glutamic acid 840 with valine.
Molecular consequence: missense variant.
Genome position (GRCh38, 1-based): chrX:78,015,774, A>T. VCF-style: chrX-78015774-A-T. GRCh37 (hg19) VCF-style: chrX-77271271-A-T.
Other names: c.2285A>T, p.Glu762Val (NM_001282224.2); short protein forms E840V, E762V.
Identifiers: ClinVar variation 465113 (VCV000465113.73), dbSNP rs372318616, ClinGen allele CA10459289.